The following is an entry in ClinVar:

ClinVar aggregate classification (germline): Uncertain significance (1 of 4 stars; one submission).

Conditions:
Emery-Dreifuss muscular dystrophy (EDMD). Also called: Scapuloperoneal syndrome, X-linked (formerly); Humeroperoneal neuromuscular disease, (formerly). Identifiers: Orphanet 261, MedGen C0410189, MONDO:0016830.

Submission:

Labcorp Genetics (formerly Invitae), Labcorp
Classification: Uncertain significance for Emery-Dreifuss muscular dystrophy. Last evaluated: 2024-12-03. Review status: criteria provided, single submitter. Criteria: Invitae Variant Classification Sherloc (09022015). Collection method: clinical testing. Allele origin: germline.
Comment: This variant, c.52_57dup, results in the insertion of 2 amino acid(s) of the SUN2 protein (p.Gly18_Ser19dup), but otherwise preserves the integrity of the reading frame. This variant is not present in population databases (gnomAD no frequency). This variant has not been reported in the literature in individuals affected with SUN2-related conditions. In summary, the available evidence is currently insufficient to determine the role of this variant in disease. Therefore, it has been classified as a Variant of Uncertain Significance.

NM_015374.3(SUN2):c.52_57dup (p.Ser19_Ser20insGlySer)

Gene: SUN2 (Sad1 and UNC84 domain containing 2; minus strand). Cytogenetic location: 22q13.1.
Variant type: Duplication.
Coding change: c.52_57dup on transcript NM_015374.3 (MANE Select); coding-DNA positions 52 to 57, 6 bases duplicated (GGCAGC; older notation c.52_57dupGGCAGC).
Protein change: p.Ser19_Ser20insGlySer.
Molecular consequence: inframe insertion.
Genome position (GRCh38, 1-based): chr22:38,752,572-38,752,577, GCTGCC duplicated on the plus strand (GGCAGC on the coding strand, the reverse complement: SUN2 is on the minus strand); duplicating any 6 consecutive bases within chr22:38,752,572-38,752,578 gives the same sequence; the c. name uses the placement nearest the transcript's 3' end. VCF-style (leftmost placement, unchanged base first): chr22-38752571-T-TGCTGCC. GRCh37 (hg19) VCF-style: chr22-39148576-T-TGCTGCC.
Other names: c.52_57dup, p.Ser19_Ser20insGlySer (NM_001199579.2, NM_001199580.2, NM_001394427.1 and 18 more transcripts).
Identifiers: ClinVar variation 3615622 (VCV003615622.2).